The following is an entry in ClinVar:

ClinVar aggregate classification (germline): Benign/Likely benign. Review status: criteria provided, multiple submitters, no conflicts (2 of 4 stars). 7 submissions from 7 submitters: Benign (6); Likely benign (1). Last evaluated 2026-02-04.

Conditions:
Autosomal recessive distal renal tubular acidosis. Identifiers: Orphanet 402041, MedGen C1864498, MONDO:0018440.

Allele frequency attached by ClinVar (database versions not stated): gnomAD exomes 0.00830 and 0.02191; ExAC 0.02392; gnomAD 0.04932 and 0.05118; ESP Exome Variant Server 0.05044; TOPMed 0.05412; 1000 Genomes Project 0.06909; 1000 Genomes Project 30x 0.07058.
gnomAD v4.1: 20,172 of 1,613,930 alleles (1.2%); highest among the groups gnomAD compares: African/African-American, 15%; 1,325 homozygotes.

Submissions (7):

Labcorp Genetics (formerly Invitae), Labcorp
Classification: Benign. Last evaluated: 2026-02-04. Review status: criteria provided, single submitter. Criteria: Invitae Variant Classification Sherloc (09022015). Collection method: clinical testing. Allele origin: germline.

Blueprint Genetics
Classification: Likely benign. Last evaluated: 2024-11-27. Review status: criteria provided, single submitter. Criteria: ACMG Guidelines, 2015. Collection method: clinical testing. Allele origin: germline.

Mayo Clinic Laboratories, Mayo Clinic
Classification: Benign. Last evaluated: 2022-03-09. Review status: criteria provided, single submitter. Criteria: ACMG Guidelines, 2015. Collection method: clinical testing. Allele origin: germline. Observed: 8 variant alleles.

GeneDx
Classification: Benign. Last evaluated: 2018-11-10. Review status: criteria provided, single submitter. Criteria: GeneDx Variant Classification Process June 2021. Collection method: clinical testing. Allele origin: germline. Affected: yes.

Illumina Laboratory Services, Illumina
Classification: Benign for Renal tubular acidosis, distal, 3, with or without sensorineural hearing loss. Last evaluated: 2018-01-13. Review status: criteria provided, single submitter. Criteria: ICSL Variant Classification Criteria 13 December 2019. Collection method: clinical testing. Allele origin: germline.
Comment: This variant was observed in the ICSL laboratory as part of a predisposition screen in an ostensibly healthy population. It had not been previously curated by ICSL or reported in the Human Gene Mutation Database (HGMD: prior to June 1st, 2018), and was therefore a candidate for classification through an automated scoring system. Utilizing variant allele frequency, disease prevalence and penetrance estimates, and inheritance mode, an automated score was calculated to assess if this variant is too frequent to cause the disease. Based on the score and internal cut-off values, a variant classified as benign is not then subjected to further curation. The score for this variant resulted in a classification of benign for this disease.

Laboratory for Molecular Medicine, Mass General Brigham Personalized Medicine
Classification: Benign. Last evaluated: 2016-03-21. Review status: criteria provided, single submitter. Criteria: LMM Criteria. Collection method: clinical testing. Allele origin: germline. Observed: 1 variant allele.
Comment: p.Val385Val in exon 12 of ATP6V0A4: This variant is not expected to have clinica l significance because it does not alter an amino acid residue, is not located w ithin the splice consensus sequence, and has been identified in 15.30% (1592/104 06) of African chromosomes by the Exome Aggregation Consortium (ExAC; dbSNP rs58568563).

Breakthrough Genomics
Classification: Benign. Review status: criteria provided, single submitter. Criteria: ACMG Guidelines, 2015. Collection method: not provided. Allele origin: germline. Inheritance: Autosomal recessive inheritance. Affected: yes.

NM_020632.3(ATP6V0A4):c.1155C>T (p.Val385=)

Gene: ATP6V0A4 (ATPase H+ transporting V0 subunit a4; minus strand). Cytogenetic location: 7q34.
Variant type: single nucleotide variant.
Coding change: c.1155C>T on transcript NM_020632.3 (MANE Select); coding-DNA position 1155, C replaced by T.
Protein change: p.Val385=; no amino-acid change (valine 385 retained).
Molecular consequence: synonymous variant.
Genome position (GRCh38, 1-based): chr7:138,749,192, G>A on the plus strand (C>T on the coding strand, the complement: ATP6V0A4 is on the minus strand). VCF-style: chr7-138749192-G-A. GRCh37 (hg19) VCF-style: chr7-138433937-G-A.
Other names: p.Val385=; c.1155C>T, p.Val385= (NM_130840.3, NM_130841.3).
Identifiers: ClinVar variation 359019 (VCV000359019.21), dbSNP rs58568563, ClinGen allele CA4504886.